The following is an entry in ClinVar:

NM_002637.4(PHKA1):c.-229G>A

Gene: PHKA1 (phosphorylase kinase regulatory subunit alpha 1; minus strand). Cytogenetic location: Xq13.1.
Variant type: single nucleotide variant.
Coding change: c.-229G>A on transcript NM_002637.4 (MANE Select); 229 bases upstream of the start codon, G replaced by A.
Molecular consequence: 5 prime UTR variant.
Genome position (GRCh38, 1-based): chrX:72,714,109, C>T on the plus strand (G>A on the coding strand, the complement: PHKA1 is on the minus strand). VCF-style: chrX-72714109-C-T. GRCh37 (hg19) VCF-style: chrX-71933957-C-T.
Other names: c.-229G>A (NM_001122670.2, NM_001172436.2).
Identifiers: ClinVar variation 368654 (VCV000368654.6), dbSNP rs782474797, ClinGen allele CA10654062.

ClinVar aggregate classification (germline): Benign. Review status: criteria provided, multiple submitters, no conflicts (2 of 4 stars). 2 submissions from 2 submitters: Benign (2). Last evaluated 2018-01-13.

Conditions:
Glycogen storage disease IXd (GSD9D). Also called: GSD IXd; Muscle Phosphorylase Kinase Deficiency. Identifiers: Orphanet 715, MedGen C1845151, MONDO:0010362, OMIM 300559.

Allele frequency attached by ClinVar (database versions not stated): gnomAD 0.00807 and 0.00845; TOPMed 0.01730; 1000 Genomes Project 0.01828; gnomAD exomes 0.00823; 1000 Genomes Project 30x 0.01977.
gnomAD v4.1: 3,528 of 426,364 alleles (0.83%); highest among the groups gnomAD compares: Admixed American, 11%; 203 homozygotes.

Submissions (2):

Illumina Laboratory Services, Illumina
Classification: Benign for Glycogen storage disease IXd. Last evaluated: 2018-01-13. Review status: criteria provided, single submitter. Criteria: ICSL Variant Classification Criteria 13 December 2019. Collection method: clinical testing. Allele origin: germline.
Comment: This variant was observed in the ICSL laboratory as part of a predisposition screen in an ostensibly healthy population. It had not been previously curated by ICSL or reported in the Human Gene Mutation Database (HGMD: prior to June 1st, 2018), and was therefore a candidate for classification through an automated scoring system. Utilizing variant allele frequency, disease prevalence and penetrance estimates, and inheritance mode, an automated score was calculated to assess if this variant is too frequent to cause the disease. Based on the score and internal cut-off values, a variant classified as benign is not then subjected to further curation. The score for this variant resulted in a classification of benign for this disease.

Breakthrough Genomics
Classification: Benign. Review status: criteria provided, single submitter. Criteria: ACMG Guidelines, 2015. Collection method: not provided. Allele origin: germline. Inheritance: X-linked inheritance. Affected: yes.